The following is an entry in ClinVar:

ClinVar aggregate classification (germline): Uncertain significance (1 of 4 stars; one submission).

Conditions:
Emery-Dreifuss muscular dystrophy 4, autosomal dominant (EDMD4). Also called: EMERY-DREIFUSS MUSCULAR DYSTROPHY 4 WITH VARIABLE FEATURES. Identifiers: Orphanet 261, MedGen C2751807, MONDO:0013071, OMIM 612998.
Autosomal recessive ataxia, Beauce type. Also called: SYNE1 Deficiency; Spinocerebellar ataxia, autosomal recessive 8; ATAXIA, RECESSIVE, OF BEAUCE; SYNE1-Related Autosomal Recessive Cerebellar Ataxia. Identifiers: Orphanet 88644, MedGen C1853116, MONDO:0012549, OMIM 610743.

gnomAD v4.1: 2 of 1,614,064 alleles (0.00012%); highest among the groups gnomAD compares: East Asian, 0.0022%; no homozygotes.

Submission:

Labcorp Genetics (formerly Invitae), Labcorp
Classification: Uncertain significance for Emery-Dreifuss muscular dystrophy 4, autosomal dominant; Autosomal recessive ataxia, Beauce type. Last evaluated: 2024-02-24. Review status: criteria provided, single submitter. Criteria: Invitae Variant Classification Sherloc (09022015). Collection method: clinical testing. Allele origin: germline.
Comment: This sequence change replaces glutamine, which is neutral and polar, with histidine, which is basic and polar, at codon 7255 of the SYNE1 protein (p.Gln7255His). This variant is not present in population databases (gnomAD no frequency). This variant has not been reported in the literature in individuals affected with SYNE1-related conditions. ClinVar contains an entry for this variant (Variation ID: 2103273). An algorithm developed to predict the effect of missense changes on protein structure and function (PolyPhen-2) suggests that this variant is likely to be tolerated. In summary, the available evidence is currently insufficient to determine the role of this variant in disease. Therefore, it has been classified as a Variant of Uncertain Significance.

NM_182961.4(SYNE1):c.21978A>C (p.Gln7326His)

Gene: SYNE1 (spectrin repeat containing nuclear envelope protein 1; minus strand). Cytogenetic location: 6q25.2.
Variant type: single nucleotide variant.
Coding change: c.21978A>C on transcript NM_182961.4 (MANE Select); coding-DNA position 21978, A replaced by C.
Protein change: p.Gln7326His; replaces glutamine 7326 with histidine.
Molecular consequence: missense variant.
Genome position (GRCh38, 1-based): chr6:152,219,069, T>G on the plus strand (A>C on the coding strand, the complement: SYNE1 is on the minus strand). VCF-style: chr6-152219069-T-G. GRCh37 (hg19) VCF-style: chr6-152540204-T-G.
Other names: c.21765A>C, p.Gln7255His (NM_033071.5); short protein forms Q7255H, Q7326H.
Identifiers: ClinVar variation 2103273 (VCV002103273.4), dbSNP rs1262513613, ClinGen allele CA366103312.